The following is an entry in ClinVar:

NC_000010.10:g.(?_14978517)_(14981888_?)dup

Gene: DCLRE1C (DNA cross-link repair 1C; minus strand). Cytogenetic location: 10p13.
Variant type: Duplication.
Identifiers: ClinVar variation 3244875 (VCV003244875.1).

ClinVar aggregate classification (germline): Likely pathogenic (1 of 4 stars; one submission).

Conditions:
Severe combined immunodeficiency due to DCLRE1C deficiency (RS-SCID). Also called: SCID, AUTOSOMAL RECESSIVE, T CELL-NEGATIVE, B CELL-NEGATIVE, NK CELL-POSITIVE, WITH SENSITIVITY TO IONIZING RADIATION. Identifiers: Orphanet 275, MedGen C1865371, MONDO:0011225, OMIM 602450.

Submission:

Labcorp Genetics (formerly Invitae), Labcorp
Classification: Likely pathogenic for Athabaskan severe combined immunodeficiency. Last evaluated: 2023-10-10. Review status: criteria provided, single submitter. Criteria: Invitae Variant Classification Sherloc (09022015). Collection method: clinical testing. Allele origin: unknown.
Comment: This variant results in a copy number gain of the genomic region encompassing exon(s) 4-5 of the DCLRE1C gene. While the exact position of this variant cannot be determined from the data, sub-genic copy number gains are generally in tandem (PMID: 25640679). This variant is predicted to be out-of-frame, and may result in an absent or disrupted protein product. Loss-of-function variants in DCLRE1C are known to be pathogenic (PMID: 21664875, 26123418). This variant has not been reported in the literature in individuals affected with DCLRE1C-related conditions. In summary, the currently available evidence indicates that the variant is pathogenic, but additional data are needed to prove that conclusively. Therefore, this variant has been classified as Likely Pathogenic.

Literature cited by the submitters: PubMed 25640679; PubMed 21664875; PubMed 26123418.